The following is an entry in ClinVar:

NM_017841.4(SDHAF2):c.385C>G (p.Pro129Ala)

Gene: SDHAF2 (succinate dehydrogenase complex assembly factor 2; plus strand). Cytogenetic location: 11q12.2.
Variant type: single nucleotide variant.
Coding change: c.385C>G on transcript NM_017841.4 (MANE Select); coding-DNA position 385, C replaced by G.
Protein change: p.Pro129Ala; replaces proline 129 with alanine.
Molecular consequence: missense variant.
Genome position (GRCh38, 1-based): chr11:61,445,955, C>G. VCF-style: chr11-61445955-C-G. GRCh37 (hg19) VCF-style: chr11-61213427-C-G.
Other names: short protein forms P129A.
Identifiers: ClinVar variation 1735583 (VCV001735583.5), dbSNP rs1060503391, ClinGen allele CA380685256.

ClinVar aggregate classification (germline): Uncertain significance. Review status: criteria provided, multiple submitters, no conflicts (2 of 4 stars). 3 submissions from 3 submitters: Uncertain significance (3). Last evaluated 2025-09-24.

Conditions:
Hereditary cancer-predisposing syndrome. Also called: Neoplastic Syndromes, Hereditary; Tumor predisposition; Hereditary Cancer Syndrome; Hereditary neoplastic syndrome. Identifiers: Orphanet 140162, MedGen C0027672, MeSH D009386, MONDO:0015356.
Hereditary pheochromocytoma and paraganglioma. Also called: Hereditary pheochromocytoma-paraganglioma; Hereditary paragangliomas and pheochromocytomas; Hereditary Paraganglioma-Pheochromocytoma Syndromes. Identifiers: Orphanet 29072, MedGen C4274332, MONDO:0017366.

Allele frequency attached by ClinVar (database versions not stated): TOPMed below 0.00001.
gnomAD v4.1: 1 of 1,614,086 alleles (0.000062%); highest among the groups gnomAD compares: African/African-American, 0.0013%; no homozygotes.

Submissions (3):

Labcorp Genetics (formerly Invitae), Labcorp
Classification: Uncertain significance for Hereditary pheochromocytoma and paraganglioma. Last evaluated: 2025-09-24. Review status: criteria provided, single submitter. Criteria: Invitae Variant Classification Sherloc (09022015). Collection method: clinical testing. Allele origin: germline.
Comment: This sequence change replaces proline, which is neutral and non-polar, with alanine, which is neutral and non-polar, at codon 129 of the SDHAF2 protein (p.Pro129Ala). This variant is not present in population databases (gnomAD no frequency). This variant has not been reported in the literature in individuals affected with SDHAF2-related conditions. ClinVar contains an entry for this variant (Variation ID: 1735583). An algorithm developed to predict the effect of missense changes on protein structure and function (PolyPhen-2) suggests that this variant is likely to be disruptive. In summary, the available evidence is currently insufficient to determine the role of this variant in disease. Therefore, it has been classified as a Variant of Uncertain Significance.

All of Us Research Program, National Institutes of Health
Classification: Uncertain significance for Hereditary pheochromocytoma and paraganglioma. Last evaluated: 2023-07-10. Review status: criteria provided, single submitter. Criteria: ACMG Guidelines, 2015. Collection method: clinical testing. Allele origin: germline. Inheritance: Autosomal dominant inheritance. Observed: 1 variant allele, 1 heterozygote.
Comment: This missense variant replaces proline with alanine at codon 129 of the SDHAF2 protein. Computational prediction suggests that this variant may have deleterious impact on protein structure and function (internally defined REVEL score threshold >= 0.7, PMID: 27666373). To our knowledge, functional studies have not been reported for this variant. This variant has not been reported in individuals affected with SDHAF2-related disorders in the literature. This variant has not been identified in the general population by the Genome Aggregation Database (gnomAD). The available evidence is insufficient to determine the role of this variant in disease conclusively. Therefore, this variant is classified as a Variant of Uncertain Significance.

This study involves interpretation of variants in research participants for the purpose of population health screening. Participant phenotype was not available at the time of variant classification. Additional details can be found in publication PMID: 35346344, PMCID: PMC8962531

Ambry Genetics
Classification: Uncertain significance for Hereditary cancer-predisposing syndrome. Last evaluated: 2022-04-27. Review status: criteria provided, single submitter. Criteria: Ambry Variant Classification Scheme 2023. Collection method: clinical testing. Allele origin: germline.
Comment: The p.P129A variant (also known as c.385C>G), located in coding exon 4 of the SDHAF2 gene, results from a C to G substitution at nucleotide position 385. The proline at codon 129 is replaced by alanine, an amino acid with highly similar properties. This amino acid position is conserved. In addition, the in silico prediction for this alteration is inconclusive. Since supporting evidence is limited at this time, the clinical significance of this alteration remains unclear.